The following is an entry in ClinVar:

ClinVar aggregate classification (germline): Likely benign. Review status: criteria provided, multiple submitters, no conflicts (2 of 4 stars). 2 submissions from 2 submitters: Likely benign (2). Last evaluated 2026-08-26.

Conditions:
IGHMBP2-related disorder. Also called: IGHMBP2-related disorders; IGHMBP2-related condition.
Charcot-Marie-Tooth disease axonal type 2S. Also called: CHARCOT-MARIE-TOOTH DISEASE, AXONAL, AUTOSOMAL RECESSIVE, TYPE 2S; CHARCOT-MARIE-TOOTH NEUROPATHY, TYPE 2S. Identifiers: Orphanet 443073, MedGen C4015349, MONDO:0014511, OMIM 616155.
Autosomal recessive distal spinal muscular atrophy 1. Also called: Spinal muscular atrophy with respiratory distress 1; HMN VI; NEURONOPATHY, DISTAL HEREDITARY MOTOR, HARDING TYPE VI; NEUROPATHY, DISTAL HEREDITARY MOTOR, AUTOSOMAL RECESSIVE 1; NEURONOPATHY, SEVERE INFANTILE AXONAL, WITH RESPIRATORY FAILURE; SEVERE INFANTILE AXONAL NEUROPATHY WITH RESPIRATORY FAILURE. Identifiers: Orphanet 98920, MedGen C1858517, MONDO:0011436, OMIM 604320.

Allele frequency attached by ClinVar (database versions not stated): gnomAD 0.00002; TOPMed 0.00005.
gnomAD v4.1: 7 of 1,613,956 alleles (0.00043%); highest among the groups gnomAD compares: African/African-American, 0.0053%; no homozygotes.

Submissions (2):

PreventionGenetics, part of Exact Sciences
Classification: Likely benign for IGHMBP2-related condition. Last evaluated: 2026-08-26. Review status: criteria provided, single submitter. Criteria: ACMG Guidelines, 2015. Collection method: clinical testing. Allele origin: germline.
Comment: This variant is classified as likely benign based on ACMG/AMP sequence variant interpretation guidelines (Richards et al. 2015 PMID: 25741868, with internal and published modifications).

Labcorp Genetics (formerly Invitae), Labcorp
Classification: Likely benign for Autosomal recessive distal spinal muscular atrophy 1; Charcot-Marie-Tooth disease axonal type 2S. Last evaluated: 2025-04-07. Review status: criteria provided, single submitter. Criteria: Invitae Variant Classification Sherloc (09022015). Collection method: clinical testing. Allele origin: germline.

NM_002180.3(IGHMBP2):c.849T>C (p.Val283=)

Gene: IGHMBP2 (immunoglobulin mu DNA binding protein 2; plus strand). Cytogenetic location: 11q13.3.
Variant type: single nucleotide variant.
Coding change: c.849T>C on transcript NM_002180.3 (MANE Select); coding-DNA position 849, T replaced by C.
Protein change: p.Val283=; no amino-acid change (valine 283 retained).
Molecular consequence: synonymous variant.
Genome position (GRCh38, 1-based): chr11:68,914,960, T>C. VCF-style: chr11-68914960-T-C. GRCh37 (hg19) VCF-style: chr11-68682428-T-C.
Identifiers: ClinVar variation 2066307 (VCV002066307.5), dbSNP rs1046845478, ClinGen allele CA223392433.